The following is an entry in ClinVar:

NM_000179.3(MSH6):c.609A>G (p.Glu203=)

Gene: MSH6 (mutS homolog 6; plus strand). Cytogenetic location: 2p16.3.
Variant type: single nucleotide variant.
Coding change: c.609A>G on transcript NM_000179.3 (MANE Select); coding-DNA position 609, A replaced by G.
Protein change: p.Glu203=; no amino-acid change (glutamic acid 203 retained).
Molecular consequence: synonymous variant. On other transcripts: 5 prime UTR variant (1), intron variant (2).
Genome position (GRCh38, 1-based): chr2:47,796,045, A>G. VCF-style: chr2-47796045-A-G. GRCh37 (hg19) VCF-style: chr2-48023184-A-G.
Other names: c.-294A>G (NM_001281494.2); c.-279-2566A>G (NM_001281493.2); c.238-2566A>G (NM_001281492.2).
Identifiers: ClinVar variation 184608 (VCV000184608.24), dbSNP rs536686679, ClinGen allele CA015986.

ClinVar aggregate classification (germline): Benign/Likely benign. Review status: criteria provided, multiple submitters, no conflicts (2 of 4 stars). 9 submissions from 9 submitters: Benign (1); Likely benign (8). Last evaluated 2025-12-08.

Conditions:
Hereditary cancer-predisposing syndrome. Also called: Hereditary neoplastic syndrome; Neoplastic Syndromes, Hereditary; Tumor predisposition; Hereditary Cancer Syndrome. Identifiers: Orphanet 140162, MedGen C0027672, MeSH D009386, MONDO:0015356.
Mismatch repair cancer syndrome 3. Identifiers: MedGen C5436807, MONDO:0030841, OMIM 619097.
Endometrial carcinoma. Also called: Endometrial carcinoma, somatic. Identifiers: MedGen C0476089, MONDO:0002447, OMIM 608089, HP:0012114.
Lynch syndrome 5 (LYNCH5). Also called: Hereditary non-polyposis colorectal cancer, type 5; Colorectal cancer, hereditary nonpolyposis, type 5. Identifiers: Orphanet 144, MedGen C1833477, MONDO:0013710, OMIM 614350. Disease mechanism: loss of function.
Hereditary nonpolyposis colorectal neoplasms. Identifiers: MedGen C0009405, MeSH D003123.
Breast and/or ovarian cancer. Identifiers: MedGen CN221562.
Lynch syndrome. Identifiers: Orphanet 144, MedGen C4552100, MONDO:0005835. Disease mechanism: loss of function.

Allele frequency attached by ClinVar (database versions not stated): TOPMed below 0.00001; gnomAD 0.00001; gnomAD exomes 0.00001 and 0.00002; ExAC 0.00002; 1000 Genomes Project 30x 0.00031; 1000 Genomes Project 0.00040.
gnomAD v4.1: 7 of 1,614,168 alleles (0.00043%); highest among the groups gnomAD compares: East Asian, 0.011%; no homozygotes.

Submissions (9):

Labcorp Genetics (formerly Invitae), Labcorp
Classification: Likely benign for Hereditary nonpolyposis colorectal neoplasms. Last evaluated: 2025-12-08. Review status: criteria provided, single submitter. Criteria: Invitae Variant Classification Sherloc (09022015). Collection method: clinical testing. Allele origin: germline.

Myriad Genetics, Inc.
Classification: Benign for Lynch syndrome 5. Last evaluated: 2024-12-19. Review status: criteria provided, single submitter. Criteria: Myriad Autosomal Dominant, Autosomal Recessive and X-Linked Classification Criteria (2023). Collection method: clinical testing. Allele origin: unknown.
Comment: This variant is considered benign. This variant is a silent/synonymous amino acid change and it is not expected to impact splicing.

All of Us Research Program, National Institutes of Health
Classification: Likely benign for Lynch syndrome. Last evaluated: 2024-05-09. Review status: criteria provided, single submitter. Criteria: ACMG Guidelines, 2015. Collection method: clinical testing. Allele origin: germline. Inheritance: Autosomal dominant inheritance. Observed: 2 variant alleles, 2 heterozygotes.
Comment: This study involves interpretation of variants in research participants for the purpose of population health screening. Participant phenotype was not available at the time of variant classification. Additional details can be found in publication PMID: 35346344, PMCID: PMC8962531

Women's Health and Genetics/Laboratory Corporation of America, LabCorp
Classification: Likely benign. Last evaluated: 2022-08-07. Review status: criteria provided, single submitter. Criteria: LabCorp Variant Classification Summary - May 2015. Collection method: clinical testing. Allele origin: germline.

CHEO Genetics Diagnostic Laboratory, Children's Hospital of Eastern Ontario
Classification: Likely benign for Breast and/or ovarian cancer. Last evaluated: 2021-10-29. Review status: criteria provided, single submitter. Criteria: ACMG Guidelines, 2015. Collection method: clinical testing. Allele origin: germline.

Department of Pathology and Laboratory Medicine, Sinai Health System
Classification: Likely benign for Endometrial carcinoma; Lynch syndrome 5; Mismatch repair cancer syndrome 3. Last evaluated: 2020-09-11. Review status: criteria provided, single submitter. Criteria: ACMG Guidelines, 2015. Collection method: clinical testing. Allele origin: germline. Affected: yes.

GeneDx
Classification: Likely benign. Last evaluated: 2018-11-01. Review status: criteria provided, single submitter. Criteria: GeneDx Variant Classification Process June 2021. Collection method: clinical testing. Allele origin: germline. Affected: yes.

Color Diagnostics, LLC DBA Color Health
Classification: Likely benign for Hereditary cancer-predisposing syndrome. Last evaluated: 2017-11-02. Review status: criteria provided, single submitter. Criteria: ACMG Guidelines, 2015. Collection method: clinical testing. Allele origin: germline.

Ambry Genetics
Classification: Likely benign for Hereditary cancer-predisposing syndrome. Last evaluated: 2014-12-17. Review status: criteria provided, single submitter. Criteria: Ambry Variant Classification Scheme 2023. Collection method: clinical testing. Allele origin: germline.